The following is an entry in ClinVar:

ClinVar aggregate classification (germline): Pathogenic (1 of 4 stars; one submission).

Submission:

Foulkes Cancer Genetics LDI, Lady Davis Institute for Medical Research
Classification: Pathogenic. Last evaluated: 2019-07-01. Review status: criteria provided, single submitter. Criteria: ACMG Guidelines, 2015. Collection method: curation. Allele origin: somatic. Affected: yes. Observed: 1 variant allele.
Comment: ACMG criteria met: PVS1, PM1, PM2

Literature cited by the submitters: PubMed 27126690.

NM_177438.3(DICER1):c.1668del (p.Ile557fs)

Gene: DICER1 (dicer 1, ribonuclease III; minus strand). Cytogenetic location: 14q32.13.
Variant type: Deletion.
Coding change: c.1668del on transcript NM_177438.3 (MANE Select); coding-DNA position 1668, one base deleted (C; older notation c.1668delC).
Protein change: p.Ile557fs; shifts the reading frame from isoleucine 557.
Molecular consequence: frameshift variant.
Genome position (GRCh38, 1-based): chr14:95,116,537, G deleted on the plus strand (C on the coding strand, the reverse complement: DICER1 is on the minus strand); the first of 3 consecutive G bases (chr14:95,116,537-95,116,539); deleting any one gives the same sequence. VCF-style (leftmost placement, unchanged base first): chr14-95116536-TG-T. GRCh37 (hg19) VCF-style: chr14-95582873-TG-T.
Other names: c.1668del, p.Ile557fs (NM_001195573.1, NM_001271282.3, NM_001291628.2 and 1 more transcripts); short protein forms I557fs.
Identifiers: ClinVar variation 933099 (VCV000933099.2), dbSNP rs1892488234, ClinGen allele CA645578800.
Genomic context (GRCh38, chr14:95,116,536, plus strand): 5'-TAAGGTCTTCTTCAAAACTTTTTATTTTGTCTGTATCCGCTAACATTATATAATTAGAGA[TG>T]GGTGCCCTTGCTCTTCCTTTAGATTGAACATAGGATCGATATTCTGTGGGCAAATCAAAA-3'